The following is an entry in ClinVar:

ClinVar aggregate classification (germline): Uncertain significance (1 of 4 stars; one submission).

Conditions:
Combined oxidative phosphorylation defect type 21. Also called: Combined oxidative phosphorylation deficiency 21. Identifiers: Orphanet 420733, MedGen C4706316, MONDO:0014398, OMIM 615918.

Submission:

Victorian Clinical Genetics Services, Murdoch Childrens Research Institute
Classification: Uncertain significance for Combined oxidative phosphorylation defect type 21. Last evaluated: 2024-10-08. Review status: criteria provided, single submitter. Criteria: ACMG Guidelines, 2015. Collection method: clinical testing. Allele origin: germline. Inheritance: Autosomal recessive inheritance. Affected: yes.
Comment: Based on the classification scheme VCGS_Germline_v1.3.4, this variant is classified as VUS-3A. Following criteria are met: 0102 - Loss of function is a known mechanism of disease in this gene and is associated with combined oxidative phosphorylation deficiency 21 (MIM#615918). (I) 0106 - This gene is associated with autosomal recessive disease. (I) 0200 - Variant is predicted to result in a missense amino acid change from glycine to alanine. (I) 0251 - This variant is heterozygous. (I) 0301 - Variant is absent from gnomAD (both v2 and v3). (SP) 0501 - Missense variant consistently predicted to be damaging by multiple in silico tools or highly conserved with a major amino acid change. (SP) 0604 - Variant is not located in an established domain, motif, hotspot or informative constraint region. (I) 0705 - No comparable missense variants have previous evidence for pathogenicity. (I) 0807 - This variant has no previous evidence of pathogenicity. (I) 0905 - No published segregation evidence has been identified for this variant. (I) 1007 - No published functional evidence has been identified for this variant. (I) 1201 - Heterozygous variant detected in trans with a pathogenic heterozygous variant (c.773C>T) in a recessive disease. (I)

NM_025150.5(TARS2):c.983G>C (p.Gly328Ala)

Gene: TARS2 (threonyl-tRNA synthetase 2, mitochondrial; plus strand). Cytogenetic location: 1q21.2.
Variant type: single nucleotide variant.
Coding change: c.983G>C on transcript NM_025150.5 (MANE Select); coding-DNA position 983, G replaced by C.
Protein change: p.Gly328Ala; replaces glycine 328 with alanine.
Molecular consequence: missense variant. On other transcripts: non-coding transcript variant (1), intron variant (2).
Genome position (GRCh38, 1-based): chr1:150,496,871, G>C. VCF-style: chr1-150496871-G-C. GRCh37 (hg19) VCF-style: chr1-150469347-G-C.
Other names: c.775-659G>C (NM_001271895.2); c.631-659G>C (NM_001271896.2); short protein forms G328A.
Identifiers: ClinVar variation 3376989 (VCV003376989.1).